The following is an entry in ClinVar:

NM_004273.5(CHST3):c.535G>A (p.Ala179Thr)

Gene: CHST3 (carbohydrate sulfotransferase 3; plus strand). Cytogenetic location: 10q22.1.
Variant type: single nucleotide variant.
Coding change: c.535G>A on transcript NM_004273.5 (MANE Select); coding-DNA position 535, G replaced by A.
Protein change: p.Ala179Thr; replaces alanine 179 with threonine.
Molecular consequence: missense variant.
Genome position (GRCh38, 1-based): chr10:72,007,566, G>A. VCF-style: chr10-72007566-G-A. GRCh37 (hg19) VCF-style: chr10-73767324-G-A.
Other names: short protein forms A179T.
Identifiers: ClinVar variation 1987514 (VCV001987514.4), dbSNP rs756623618, ClinGen allele CA377144455.
Genomic context (GRCh38, chr10:72,007,566, plus strand): 5'-TTCTACCTCTTCGAGCCGCTGTGGCACATCGAGCGCACAGTGTCCTTCGAGCCGGGGGGC[G>A]CCAACGCCGCGGGCTCGGCCCTGGTGTACCGCGACGTGCTCAAGCAGCTCTTCCTGTGCG-3'
Protein context (NP_004264.2, residues 169-189): ERTVSFEPGG[Ala179Thr]NAAGSALVYR

ClinVar aggregate classification (germline): Uncertain significance (1 of 4 stars; one submission).

Conditions:
Spondyloepiphyseal dysplasia with congenital joint dislocations (SEDCJD). Also called: Chondrodysplasia with Congenital Joint Dislocations, CHST3-Related. Identifiers: Orphanet 263463, MedGen C1837657, MONDO:0007738, OMIM 143095.

Submission:

Labcorp Genetics (formerly Invitae), Labcorp
Classification: Uncertain significance for Spondyloepiphyseal dysplasia with congenital joint dislocations. Last evaluated: 2022-05-30. Review status: criteria provided, single submitter. Criteria: Invitae Variant Classification Sherloc (09022015). Collection method: clinical testing. Allele origin: germline.
Comment: This sequence change replaces alanine, which is neutral and non-polar, with threonine, which is neutral and polar, at codon 179 of the CHST3 protein (p.Ala179Thr). In summary, the available evidence is currently insufficient to determine the role of this variant in disease. Therefore, it has been classified as a Variant of Uncertain Significance. Algorithms developed to predict the effect of missense changes on protein structure and function are either unavailable or do not agree on the potential impact of this missense change (SIFT: "Tolerated"; PolyPhen-2: "Possibly Damaging"; Align-GVGD: "Class C0"). This variant has not been reported in the literature in individuals affected with CHST3-related conditions. This variant is not present in population databases (gnomAD no frequency).